The following is an entry in ClinVar:

NM_000141.5(FGFR2):c.377-10T>C

Gene: FGFR2 (fibroblast growth factor receptor 2; minus strand). Cytogenetic location: 10q26.13.
Variant type: single nucleotide variant.
Coding change: c.377-10T>C on transcript NM_000141.5 (MANE Select); 10 bases into the intron before coding-DNA position 377, T replaced by C.
Molecular consequence: intron variant.
Genome position (GRCh38, 1-based): chr10:121,564,589, A>G on the plus strand (T>C on the coding strand, the complement: FGFR2 is on the minus strand). VCF-style: chr10-121564589-A-G. GRCh37 (hg19) VCF-style: chr10-123324103-A-G.
Other names: c.377-10T>C (NM_001144914.1, NM_001144917.2, NM_001320658.2 and 3 more transcripts); c.110-13130T>C (NM_001144918.2, NM_001441091.1, NM_001441090.1 and 1 more transcripts); c.110-10T>C (NM_001441089.1, NM_023029.3, NM_001441088.1 and 2 more transcripts).
Identifiers: ClinVar variation 682369 (VCV000682369.1), dbSNP rs1253602922, ClinGen allele CA596347946.

ClinVar aggregate classification (germline): Likely benign (1 of 4 stars; one submission).

Allele frequency attached by ClinVar (database versions not stated): gnomAD exomes below 0.00001 and 0.00001; gnomAD 0.00001; TOPMed 0.00001.
gnomAD v4.1: 5 of 1,613,166 alleles (0.00031%); highest among the groups gnomAD compares: Non-Finnish European, 0.00042%; no homozygotes.

Submission:

GeneDx
Classification: Likely benign. Last evaluated: 2018-05-03. Review status: criteria provided, single submitter. Criteria: GeneDx Variant Classification (06012015). Collection method: clinical testing. Allele origin: germline. Affected: yes.
Comment: This variant is considered likely benign or benign based on one or more of the following criteria: it is a conservative change, it occurs at a poorly conserved position in the protein, it is predicted to be benign by multiple in silico algorithms, and/or has population frequency not consistent with disease.